The following is an entry in ClinVar:

ClinVar aggregate classification (germline): Benign. Review status: criteria provided, single submitter (1 of 4 stars). 2 submissions from 2 submitters: Benign (1). 1 of the submissions does not count toward it. Last evaluated 2017-05-08.

Conditions:
MMP1-related disorder. Also called: MMP1-related condition.

Allele frequency attached by ClinVar (database versions not stated): gnomAD exomes 0.00031 and 0.00082; ExAC 0.00095; 1000 Genomes Project 0.00220; 1000 Genomes Project 30x 0.00265; gnomAD 0.00316 and 0.00337; TOPMed 0.00336; ESP Exome Variant Server 0.00392.

Submissions (2):

Labcorp Genetics (formerly Invitae), Labcorp
Classification: Benign. Last evaluated: 2017-05-08. Review status: criteria provided, single submitter. Criteria: Invitae Variant Classification Sherloc (09022015). Collection method: clinical testing. Allele origin: germline.

PreventionGenetics, part of Exact Sciences
Classification: Likely benign for MMP1-related condition. Last evaluated: 2020-03-18. Review status: no assertion criteria provided. Collection method: clinical testing. Allele origin: germline. Not counted in ClinVar's aggregate classification.
Comment: This variant is classified as likely benign based on ACMG/AMP sequence variant interpretation guidelines (Richards et al. 2015 PMID: 25741868, with internal and published modifications).

NM_002421.4(MMP1):c.1120G>A (p.Val374Met)

Gene: MMP1 (matrix metallopeptidase 1; minus strand). Cytogenetic location: 11q22.2.
Variant type: single nucleotide variant.
Coding change: c.1120G>A on transcript NM_002421.4 (MANE Select); coding-DNA position 1120, G replaced by A.
Protein change: p.Val374Met; replaces valine 374 with methionine.
Molecular consequence: missense variant.
Genome position (GRCh38, 1-based): chr11:102,791,409, C>T on the plus strand (G>A on the coding strand, the complement: MMP1 is on the minus strand). VCF-style: chr11-102791409-C-T. GRCh37 (hg19) VCF-style: chr11-102662140-C-T.
Other names: c.922G>A, p.Val308Met (NM_001145938.2); short protein forms V374M, V308M.
Identifiers: ClinVar variation 768478 (VCV000768478.5), dbSNP rs59142365, ClinGen allele CA6250382.
Genomic context (GRCh38, chr11:102,791,409, plus strand): 5'-CAACAAAGAAGTAGGTTTTTCCAGTGTTTTCCTCAGAAAGAGCAGCATCGATATGCTTCA[C>T]AGTTCTAGGGAAGCCAAAGGAGCTGTAGATGTCCTTGGGGTATCCGTGTAGCACATTCTG-3'
Protein context (NP_002412.1, residues 364-384): IYSSFGFPRT[Val374Met]KHIDAALSEE